The following is an entry in ClinVar:

NM_001291746.2(REL):c.1363G>C (p.Asp455His)

Gene: REL (REL proto-oncogene, NF-kB subunit; plus strand). Cytogenetic location: 2p16.1.
Variant type: single nucleotide variant.
Coding change: c.1363G>C on transcript NM_001291746.2 (MANE Select); coding-DNA position 1363, G replaced by C.
Protein change: p.Asp455His; replaces aspartic acid 455 with histidine.
Molecular consequence: missense variant.
Genome position (GRCh38, 1-based): chr2:60,922,134, G>C. VCF-style: chr2-60922134-G-C. GRCh37 (hg19) VCF-style: chr2-61149269-G-C.
Other names: c.1459G>C, p.Asp487His (NM_002908.4); short protein forms D455H, D487H.
Identifiers: ClinVar variation 2020212 (VCV002020212.4), dbSNP rs748568909, ClinGen allele CA1672476.

ClinVar aggregate classification (germline): Uncertain significance (1 of 4 stars; one submission).

Allele frequency attached by ClinVar (database versions not stated): gnomAD exomes below 0.00001; ExAC 0.00001; gnomAD 0.00002; TOPMed 0.00003.
gnomAD v4.1: 5 of 1,614,014 alleles (0.00031%); highest among the groups gnomAD compares: African/African-American, 0.0053%; no homozygotes.

Submission:

Labcorp Genetics (formerly Invitae), Labcorp
Classification: Uncertain significance. Last evaluated: 2022-07-29. Review status: criteria provided, single submitter. Criteria: Invitae Variant Classification Sherloc (09022015). Collection method: clinical testing. Allele origin: germline.
Comment: This sequence change replaces aspartic acid, which is acidic and polar, with histidine, which is basic and polar, at codon 487 of the REL protein (p.Asp487His). This variant is present in population databases (rs748568909, gnomAD 0.008%). This variant has not been reported in the literature in individuals affected with REL-related conditions. Algorithms developed to predict the effect of missense changes on protein structure and function are either unavailable or do not agree on the potential impact of this missense change (SIFT: "Tolerated"; PolyPhen-2: "Possibly Damaging"; Align-GVGD: "Class C0"). In summary, the available evidence is currently insufficient to determine the role of this variant in disease. Therefore, it has been classified as a Variant of Uncertain Significance.